The following is an entry in ClinVar:

ClinVar aggregate classification (germline): Uncertain significance (1 of 4 stars; one submission).

Conditions:
Distal myopathy with posterior leg and anterior hand involvement. Also called: WILLIAMS DISTAL MYOPATHY. Identifiers: Orphanet 63273, MedGen C3279722, MONDO:0013550, OMIM 614065.
Hypertrophic cardiomyopathy 26. Also called: Cardiomyopathy, familial hypertrophic, 26. Identifiers: Orphanet 75249, MedGen C4310749, MONDO:0014883, OMIM 617047.
Myofibrillar myopathy 5. Also called: Filaminopathy (type); FILAMINOPATHY, AUTOSOMAL DOMINANT. Identifiers: Orphanet 171445, MedGen C1836050, MONDO:0012289, OMIM 609524.

gnomAD v4.1: 2 of 1,607,982 alleles (0.00012%); highest among the groups gnomAD compares: Non-Finnish European, 0.00017%; no homozygotes.

Submission:

Labcorp Genetics (formerly Invitae), Labcorp
Classification: Uncertain significance for Distal myopathy with posterior leg and anterior hand involvement; Myofibrillar myopathy 5; Hypertrophic cardiomyopathy 26. Last evaluated: 2024-05-02. Review status: criteria provided, single submitter. Criteria: Invitae Variant Classification Sherloc (09022015). Collection method: clinical testing. Allele origin: germline.
Comment: This sequence change replaces glycine, which is neutral and non-polar, with valine, which is neutral and non-polar, at codon 1359 of the FLNC protein (p.Gly1359Val). This variant is not present in population databases (gnomAD no frequency). This missense change has been observed in individual(s) with FLNC-related conditions (PMID: 36286284). Advanced modeling of protein sequence and biophysical properties (such as structural, functional, and spatial information, amino acid conservation, physicochemical variation, residue mobility, and thermodynamic stability) has been performed at Invitae for this missense variant, however the output from this modeling did not meet the statistical confidence thresholds required to predict the impact of this variant on FLNC protein function. In summary, the available evidence is currently insufficient to determine the role of this variant in disease. Therefore, it has been classified as a Variant of Uncertain Significance.

Literature cited by the submitters: PubMed 36286284.

NM_001458.5(FLNC):c.4076G>T (p.Gly1359Val)

Gene: FLNC (filamin C; plus strand). Cytogenetic location: 7q32.1.
Variant type: single nucleotide variant.
Coding change: c.4076G>T on transcript NM_001458.5 (MANE Select); coding-DNA position 4076, G replaced by T.
Protein change: p.Gly1359Val; replaces glycine 1359 with valine.
Molecular consequence: missense variant.
Genome position (GRCh38, 1-based): chr7:128,846,412, G>T. VCF-style: chr7-128846412-G-T. GRCh37 (hg19) VCF-style: chr7-128486466-G-T.
Other names: c.4076G>T, p.Gly1359Val (NM_001127487.2); short protein forms G1359V.
Identifiers: ClinVar variation 3756163 (VCV003756163.2).